The following is an entry in ClinVar:

NM_004046.6(ATP5F1A):c.10G>A (p.Val4Met)

Genes: ATP5F1A (ATP synthase F1 subunit alpha; minus strand), LOC126862738 (BRD4-independent group 4 enhancer GRCh37_chr18:43677662-43678861; plus strand). Cytogenetic location: 18q21.1.
Variant type: single nucleotide variant.
Coding change: c.10G>A on transcript NM_004046.6 (MANE Select); coding-DNA position 10, G replaced by A.
Protein change: p.Val4Met; replaces valine 4 with methionine.
Molecular consequence: missense variant. On other transcripts: 5 prime UTR variant (2).
Genome position (GRCh38, 1-based): chr18:46,098,222, C>T on the plus strand (G>A on the coding strand, the complement: ATP5F1A is on the minus strand). VCF-style: chr18-46098222-C-T. GRCh37 (hg19) VCF-style: chr18-43678188-C-T.
Other names: c.-214G>A (NM_001001935.3); c.10G>A, p.Val4Met (NM_001001937.2, NM_001257334.2); c.-477G>A (NM_001257335.2); short protein forms V4M.
Identifiers: ClinVar variation 2791903 (VCV002791903.3), dbSNP rs1435214501, ClinGen allele CA402359883.

ClinVar aggregate classification (germline): Uncertain significance (1 of 4 stars; one submission).

Submission:

Labcorp Genetics (formerly Invitae), Labcorp
Classification: Uncertain significance. Last evaluated: 2023-03-02. Review status: criteria provided, single submitter. Criteria: Invitae Variant Classification Sherloc (09022015). Collection method: clinical testing. Allele origin: germline.
Comment: This sequence change replaces valine, which is neutral and non-polar, with methionine, which is neutral and non-polar, at codon 4 of the ATP5A1 protein (p.Val4Met). In summary, the available evidence is currently insufficient to determine the role of this variant in disease. Therefore, it has been classified as a Variant of Uncertain Significance. Experimental studies and prediction algorithms are not available or were not evaluated, and the functional significance of this variant is currently unknown. This variant has not been reported in the literature in individuals affected with ATP5A1-related conditions. This variant is not present in population databases (gnomAD no frequency).